The following is an entry in ClinVar:

NM_003128.3(SPTBN1):c.4837C>G (p.Leu1613Val)

Gene: SPTBN1 (spectrin beta, non-erythrocytic 1; plus strand). Cytogenetic location: 2p16.2.
Variant type: single nucleotide variant.
Coding change: c.4837C>G on transcript NM_003128.3 (MANE Select); coding-DNA position 4837, C replaced by G.
Protein change: p.Leu1613Val; replaces leucine 1613 with valine.
Molecular consequence: missense variant.
Genome position (GRCh38, 1-based): chr2:54,646,446, C>G. VCF-style: chr2-54646446-C-G. GRCh37 (hg19) VCF-style: chr2-54873583-C-G.
Other names: c.4798C>G, p.Leu1600Val (NM_178313.3); short protein forms L1600V, L1613V.
Identifiers: ClinVar variation 4071717 (VCV004071717.1).

ClinVar aggregate classification (germline): Uncertain significance (1 of 4 stars; one submission).

Submission:

GeneDx
Classification: Uncertain significance. Last evaluated: 2025-01-17. Review status: criteria provided, single submitter. Criteria: GeneDx Variant Classification Process June 2021. Collection method: clinical testing. Allele origin: germline. Affected: yes.
Comment: Not observed at significant frequency in large population cohorts (gnomAD); In silico analysis supports that this missense variant has a deleterious effect on protein structure/function; Has not been previously published as pathogenic or benign to our knowledge